The following is an entry in ClinVar:

ClinVar aggregate classification (germline): Uncertain significance (1 of 4 stars; one submission).

Submission:

GeneDx
Classification: Uncertain significance. Last evaluated: 2024-06-10. Review status: criteria provided, single submitter. Criteria: GeneDx Variant Classification Process June 2021. Collection method: clinical testing. Allele origin: germline. Affected: yes.
Comment: Not observed at significant frequency in large population cohorts (gnomAD); In silico analysis supports that this missense variant has a deleterious effect on protein structure/function; Has not been previously published as pathogenic or benign to our knowledge

NM_020719.3(PRR12):c.3349A>C (p.Asn1117His)

Gene: PRR12 (proline rich 12; plus strand). Cytogenetic location: 19q13.33.
Variant type: single nucleotide variant.
Coding change: c.3349A>C on transcript NM_020719.3 (MANE Select); coding-DNA position 3349, A replaced by C.
Protein change: p.Asn1117His; replaces asparagine 1117 with histidine.
Molecular consequence: missense variant.
Genome position (GRCh38, 1-based): chr19:49,597,684, A>C. VCF-style: chr19-49597684-A-C. GRCh37 (hg19) VCF-style: chr19-50100941-A-C.
Other names: short protein forms N1117H.
Identifiers: ClinVar variation 3390646 (VCV003390646.1).